The following is an entry in ClinVar:

NM_001281740.3(FHOD3):c.1970G>A (p.Ser657Asn)

Gene: FHOD3 (formin homology 2 domain containing 3; plus strand). Cytogenetic location: 18q12.2.
Variant type: single nucleotide variant.
Coding change: c.1970G>A on transcript NM_001281740.3 (MANE Select); coding-DNA position 1970, G replaced by A.
Protein change: p.Ser657Asn; replaces serine 657 with asparagine.
Molecular consequence: missense variant.
Genome position (GRCh38, 1-based): chr18:36,681,570, G>A. VCF-style: chr18-36681570-G-A. GRCh37 (hg19) VCF-style: chr18-34261533-G-A.
Other names: c.1445G>A, p.Arg482Lys (NM_001281739.3); c.1445G>A, p.Ser482Asn (NM_025135.5); short protein forms R482K, S482N, S657N.
Identifiers: ClinVar variation 1699324 (VCV001699324.3), dbSNP rs202238556, ClinGen allele CA402216218.

ClinVar aggregate classification (germline): Uncertain significance (1 of 4 stars; one submission).

Conditions:
Cardiomyopathy (CMYO). Also called: Cardiomyopathies. Identifiers: Orphanet 167848, MedGen C0878544, MONDO:0004994, HP:0001638. Inheritance: Various modes of inheritance.

Allele frequency attached by ClinVar (database versions not stated): TOPMed 0.00001.

Submission:

Victorian Clinical Genetics Services, Murdoch Childrens Research Institute
Classification: Uncertain significance for Cardiomyopathy. Last evaluated: 2022-02-02. Review status: criteria provided, single submitter. Criteria: ACMG Guidelines, 2015. Collection method: clinical testing. Allele origin: germline. Inheritance: Autosomal dominant inheritance. Affected: yes.
Comment: Based on the classification scheme VCGS_Germline_v1.3.4, this variant is classified as VUS-3C. Following criteria are met: 0105 - The mechanism of disease for this gene is not clearly established. However, dominant-negative has been suggested for a single missense variant (PMID: 24088304). (I) 0107 - This gene is associated with autosomal dominant disease (PMID: 32335906, PMID: 24088304). (I) 0112 - The condition associated with this gene has incomplete penetrance (PMID: 32335906). (I) 0200 - Variant is predicted to result in a missense amino acid change from serine to asparagine. This variant is also found at the exon-intron junction, and therefore, could have a potential effect on splicing. (I) 0251 - This variant is heterozygous. (I) 0301 - Variant is absent from gnomAD (both v2 and v3). (SP) 0504 - Same amino acid change has been observed in placental mammals. Additionally, in silico tools do not consistently predict an effect on splicing. (SB) 0604 - Variant is not located in an established domain, motif, hotspot or informative constraint region. (I) 0705 - No comparable missense variants have previous evidence for pathogenicity. (I) 0807 - This variant has no previous evidence of pathogenicity. (I) 0905 - No published segregation evidence has been identified for this variant. (I) 1007 - No published functional evidence has been identified for this variant. (I) Legend: (SP) - Supporting pathogenic, (I) - Information, (SB) - Supporting benign

Literature cited by the submitters: PubMed 24088304; PubMed 32335906.